The following is an entry in ClinVar:

NM_002834.5(PTPN11):c.1161C>T (p.Asn387=)

Gene: PTPN11 (protein tyrosine phosphatase non-receptor type 11; plus strand). Cytogenetic location: 12q24.13.
Variant type: single nucleotide variant.
Coding change: c.1161C>T on transcript NM_002834.5 (MANE Select); coding-DNA position 1161, C replaced by T.
Protein change: p.Asn387=; no amino-acid change (asparagine 387 retained).
Molecular consequence: synonymous variant.
Genome position (GRCh38, 1-based): chr12:112,482,142, C>T. VCF-style: chr12-112482142-C-T. GRCh37 (hg19) VCF-style: chr12-112919946-C-T.
Other names: c.1161C>T, p.Asn387= (NM_001330437.2, NM_080601.3); c.1158C>T, p.Asn386= (NM_001374625.1).
Identifiers: ClinVar variation 179868 (VCV000179868.14), dbSNP rs727505180, ClinGen allele CA185306.

ClinVar aggregate classification (germline): Likely benign. Review status: criteria provided, multiple submitters, no conflicts (2 of 4 stars). 3 submissions from 3 submitters: Likely benign (3). Last evaluated 2024-07-23.

Conditions:
Cardiovascular phenotype. Identifiers: MedGen CN230736.
RASopathy. Also called: Noonan spectrum disorder; rasopathies. Identifiers: Orphanet 536391, MedGen C5555857, MONDO:0021060.

Allele frequency attached by ClinVar (database versions not stated): TOPMed below 0.00001; ExAC 0.00001; gnomAD 0.00001; gnomAD exomes 0.00001.
gnomAD v4.1: 22 of 1,610,548 alleles (0.0014%); highest among the groups gnomAD compares: Admixed American, 0.005%; no homozygotes.

Submissions (3):

Labcorp Genetics (formerly Invitae), Labcorp
Classification: Likely benign for RASopathy. Last evaluated: 2024-07-23. Review status: criteria provided, single submitter. Criteria: Invitae Variant Classification Sherloc (09022015). Collection method: clinical testing. Allele origin: germline.

Ambry Genetics
Classification: Likely benign for Cardiovascular phenotype. Last evaluated: 2022-11-27. Review status: criteria provided, single submitter. Criteria: Ambry Variant Classification Scheme 2023. Collection method: clinical testing. Allele origin: germline.

Laboratory for Molecular Medicine, Mass General Brigham Personalized Medicine
Classification: Likely benign. Last evaluated: 2014-07-11. Review status: criteria provided, single submitter. Criteria: LMM Criteria. Collection method: clinical testing. Allele origin: germline. Observed: 1 variant allele.
Comment: Asn387Asn in exon 10 of PTPN11: This variant is not expected to have clinical si gnificance because it does not alter an amino acid residue and is not located wi thin the splice consensus sequence.